The following is an entry in ClinVar:

ClinVar aggregate classification (germline): Pathogenic. Review status: criteria provided, multiple submitters, no conflicts (2 of 4 stars). 3 submissions from 3 submitters: Pathogenic (3). Last evaluated 2023-08-15.

Conditions:
Hereditary cancer-predisposing syndrome. Also called: Neoplastic Syndromes, Hereditary; Tumor predisposition; Hereditary Cancer Syndrome; Hereditary neoplastic syndrome. Identifiers: Orphanet 140162, MedGen C0027672, MeSH D009386, MONDO:0015356.
Lynch syndrome 5 (LYNCH5). Also called: Colorectal cancer, hereditary nonpolyposis, type 5; Hereditary non-polyposis colorectal cancer, type 5. Identifiers: Orphanet 144, MedGen C1833477, MONDO:0013710, OMIM 614350. Disease mechanism: loss of function.

Submissions (3):

Myriad Genetics, Inc.
Classification: Pathogenic for Lynch syndrome 5. Last evaluated: 2023-08-15. Review status: criteria provided, single submitter. Criteria: Myriad Autosomal Dominant, Autosomal Recessive and X-Linked Classification Criteria (2023). Collection method: clinical testing. Allele origin: unknown.
Comment: This variant is considered pathogenic. This variant creates a frameshift predicted to result in premature protein truncation.

Color Diagnostics, LLC DBA Color Health
Classification: Pathogenic for Hereditary cancer-predisposing syndrome. Last evaluated: 2023-05-30. Review status: criteria provided, single submitter. Criteria: ACMG Guidelines, 2015. Collection method: clinical testing. Allele origin: germline.
Comment: This variant deletes 2 nucleotides in exon 4 of the MSH6 gene, creating a frameshift and premature translation stop signal. This variant is expected to result in an absent or non-functional protein product. To our knowledge, this variant has not been reported in individuals affected with MSH6-related disorders in the literature. This variant has not been identified in the general population by the Genome Aggregation Database (gnomAD). Loss of MSH6 function is a known mechanism of disease. Based on the available evidence, this variant is classified as Pathogenic.

Ambry Genetics
Classification: Pathogenic for Hereditary cancer-predisposing syndrome. Last evaluated: 2021-05-20. Review status: criteria provided, single submitter. Criteria: Ambry Variant Classification Scheme 2023. Collection method: clinical testing. Allele origin: germline.
Comment: The c.1828_1829delAA pathogenic mutation, located in coding exon 4 of the MSH6 gene, results from a deletion of two nucleotides at nucleotide positions 1828 to 1829, causing a translational frameshift with a predicted alternate stop codon (p.K610Efs*29). This alteration is expected to result in loss of function by premature protein truncation or nonsense-mediated mRNA decay. As such, this alteration is interpreted as a disease-causing mutation.

NM_000179.3(MSH6):c.1828_1829del (p.Lys610fs)

Gene: MSH6 (mutS homolog 6; plus strand). Cytogenetic location: 2p16.3.
Variant type: Deletion.
Coding change: c.1828_1829del on transcript NM_000179.3 (MANE Select); coding-DNA positions 1828 to 1829, 2 bases deleted (AA; older notation c.1828_1829delAA).
Protein change: p.Lys610fs; shifts the reading frame from lysine 610.
Molecular consequence: frameshift variant.
Genome position (GRCh38, 1-based): chr2:47,799,811-47,799,812, AA deleted; deleting any 2 consecutive bases within chr2:47,799,810-47,799,812 gives the same sequence; the c. name uses the placement nearest the transcript's 3' end. VCF-style (leftmost placement, unchanged base first): chr2-47799809-TAA-T. GRCh37 (hg19) VCF-style: chr2-48026948-TAA-T.
Other names: c.1438_1439del, p.Lys480fs (NM_001281492.2); c.922_923del, p.Lys308fs (NM_001281493.2, NM_001281494.2); c.1924_1925delAA, p.Lys642Glufs (NM_001406795.1, NM_001406802.1); c.1828_1829delAA, p.Lys610Glufs (NM_001406796.1, NM_001406798.1, NM_001406800.1 and 3 more transcripts); c.1531_1532delAA, p.Lys511Glufs (NM_001406797.1, NM_001406801.1, NM_001406805.1 and 10 more transcripts); c.1303_1304delAA, p.Lys435Glufs (NM_001406799.1, NM_001406806.1, NM_001406807.1); c.1750_1751delAA, p.Lys584Glufs (NM_001406804.1); c.922_923delAA, p.Lys308Glufs (NM_001406811.1, NM_001406812.1, NM_001406814.1 and 4 more transcripts); and 2 more; short protein forms K610fs, K308fs, K480fs.
Identifiers: ClinVar variation 1780871 (VCV001780871.5), dbSNP rs2530632695, ClinGen allele CA2580067709.